The following is an entry in ClinVar:

NM_182746.3(MCM4):c.2365+14A>G

Gene: MCM4 (minichromosome maintenance complex component 4; plus strand). Cytogenetic location: 8q11.21.
Variant type: single nucleotide variant.
Coding change: c.2365+14A>G on transcript NM_182746.3 (MANE Select); 14 bases into the intron after coding-DNA position 2365, A replaced by G.
Molecular consequence: intron variant.
Genome position (GRCh38, 1-based): chr8:47,974,976, A>G. VCF-style: chr8-47974976-A-G. GRCh37 (hg19) VCF-style: chr8-48887536-A-G.
Other names: c.2365+14A>G (NM_005914.4).
Identifiers: ClinVar variation 3700947 (VCV003700947.2).

ClinVar aggregate classification (germline): Uncertain significance (1 of 4 stars; one submission).

Submission:

Labcorp Genetics (formerly Invitae), Labcorp
Classification: Uncertain significance. Last evaluated: 2024-12-12. Review status: criteria provided, single submitter. Criteria: Invitae Variant Classification Sherloc (09022015). Collection method: clinical testing. Allele origin: germline.
Comment: This sequence change falls in intron 14 of the MCM4 gene. It does not directly change the encoded amino acid sequence of the MCM4 protein. This variant is not present in population databases (gnomAD no frequency). This variant has not been reported in the literature in individuals affected with MCM4-related conditions. Algorithms developed to predict the effect of sequence changes on RNA splicing suggest that this variant may create or strengthen a splice site. In summary, the available evidence is currently insufficient to determine the role of this variant in disease. Therefore, it has been classified as a Variant of Uncertain Significance.